The following is an entry in ClinVar:

ClinVar aggregate classification (germline): Uncertain significance (1 of 4 stars; one submission).

Conditions:
Primary ciliary dyskinesia. Also called: Ciliary dyskinesia. Identifiers: Orphanet 244, MedGen C0008780, MONDO:0016575, HP:0012265.

Allele frequency attached by ClinVar (database versions not stated): TOPMed 0.00002; gnomAD 0.00003; gnomAD exomes 0.00004.
gnomAD v4.1: 75 of 1,613,868 alleles (0.0046%); highest among the groups gnomAD compares: Non-Finnish European, 0.0052%; no homozygotes.

Submission:

Labcorp Genetics (formerly Invitae), Labcorp
Classification: Uncertain significance for Primary ciliary dyskinesia. Last evaluated: 2022-07-14. Review status: criteria provided, single submitter. Criteria: Invitae Variant Classification Sherloc (09022015). Collection method: clinical testing. Allele origin: germline.
Comment: In summary, the available evidence is currently insufficient to determine the role of this variant in disease. Therefore, it has been classified as a Variant of Uncertain Significance. Algorithms developed to predict the effect of missense changes on protein structure and function are either unavailable or do not agree on the potential impact of this missense change (SIFT: "Deleterious"; PolyPhen-2: "Probably Damaging"; Align-GVGD: "Class C0"). This sequence change replaces leucine, which is neutral and non-polar, with proline, which is neutral and non-polar, at codon 872 of the CCDC40 protein (p.Leu872Pro). This variant is present in population databases (no rsID available, gnomAD 0.007%). This variant has not been reported in the literature in individuals affected with CCDC40-related conditions.

NM_017950.4(CCDC40):c.2615T>C (p.Leu872Pro)

Gene: CCDC40 (coiled-coil domain 40 molecular ruler complex subunit; plus strand). Cytogenetic location: 17q25.3.
Variant type: single nucleotide variant.
Coding change: c.2615T>C on transcript NM_017950.4 (MANE Select); coding-DNA position 2615, T replaced by C.
Protein change: p.Leu872Pro; replaces leucine 872 with proline.
Molecular consequence: missense variant.
Genome position (GRCh38, 1-based): chr17:80,087,772, T>C. VCF-style: chr17-80087772-T-C. GRCh37 (hg19) VCF-style: chr17-78061571-T-C.
Other names: c.2615T>C, p.Leu872Pro (NM_001243342.2); short protein forms L872P.
Identifiers: ClinVar variation 1983426 (VCV001983426.4), dbSNP rs1160715602, ClinGen allele CA401349210.